The following is an entry in ClinVar:

NM_004320.6(ATP2A1):c.1567G>A (p.Asp523Asn)

Gene: ATP2A1 (ATPase sarcoplasmic/endoplasmic reticulum Ca2+ transporting 1; plus strand). Cytogenetic location: 16p11.2.
Variant type: single nucleotide variant.
Coding change: c.1567G>A on transcript NM_004320.6 (MANE Select); coding-DNA position 1567, G replaced by A.
Protein change: p.Asp523Asn; replaces aspartic acid 523 with asparagine.
Molecular consequence: missense variant.
Genome position (GRCh38, 1-based): chr16:28,898,254, G>A. VCF-style: chr16-28898254-G-A. GRCh37 (hg19) VCF-style: chr16-28909575-G-A.
Other names: c.1192G>A, p.Asp398Asn (NM_001286075.2); c.1567G>A, p.Asp523Asn (NM_173201.5); c.1567G>A (NM_173201.4); short protein forms D398N, D523N.
Identifiers: ClinVar variation 968310 (VCV000968310.11), dbSNP rs748538818, ClinGen allele CA7987022.

ClinVar aggregate classification (germline): Uncertain significance. Review status: criteria provided, multiple submitters, no conflicts (2 of 4 stars). 2 submissions from 2 submitters: Uncertain significance (2). Last evaluated 2025-05-27.

Conditions:
Brody myopathy. Also called: BRODY DISEASE. Identifiers: Orphanet 53347, MedGen C1832918, MONDO:0010977, OMIM 601003.

Allele frequency attached by ClinVar (database versions not stated): ExAC 0.00001; gnomAD exomes 0.00002; TOPMed 0.00002; gnomAD 0.00003.
gnomAD v4.1: 36 of 1,614,062 alleles (0.0022%); highest among the groups gnomAD compares: East Asian, 0.0067%; no homozygotes.

Submissions (2):

Revvity Omics, Revvity
Classification: Uncertain significance for Brody myopathy. Last evaluated: 2025-05-27. Review status: criteria provided, single submitter. Criteria: ACMG Guidelines, 2015. Collection method: clinical testing. Allele origin: germline.

Labcorp Genetics (formerly Invitae), Labcorp
Classification: Uncertain significance for Brody myopathy. Last evaluated: 2022-06-20. Review status: criteria provided, single submitter. Criteria: Invitae Variant Classification Sherloc (09022015). Collection method: clinical testing. Allele origin: germline.
Comment: ClinVar contains an entry for this variant (Variation ID: 968310). This variant has not been reported in the literature in individuals affected with ATP2A1-related conditions. This variant is present in population databases (rs748538818, gnomAD 0.007%). This sequence change replaces aspartic acid, which is acidic and polar, with asparagine, which is neutral and polar, at codon 523 of the ATP2A1 protein (p.Asp523Asn). Algorithms developed to predict the effect of missense changes on protein structure and function are either unavailable or do not agree on the potential impact of this missense change (SIFT: "Tolerated"; PolyPhen-2: "Possibly Damaging"; Align-GVGD: "Class C0"). In summary, the available evidence is currently insufficient to determine the role of this variant in disease. Therefore, it has been classified as a Variant of Uncertain Significance.